The following is an entry in ClinVar:

NM_003072.5(SMARCA4):c.392C>G (p.Ser131Cys)

Gene: SMARCA4 (SWI/SNF related BAF chromatin remodeling complex subunit ATPase 4; plus strand). Cytogenetic location: 19p13.2.
Variant type: single nucleotide variant.
Coding change: c.392C>G on transcript NM_003072.5 (MANE Select); coding-DNA position 392, C replaced by G.
Protein change: p.Ser131Cys; replaces serine 131 with cysteine.
Molecular consequence: missense variant. On other transcripts: non-coding transcript variant (1).
Genome position (GRCh38, 1-based): chr19:10,986,225, C>G. VCF-style: chr19-10986225-C-G. GRCh37 (hg19) VCF-style: chr19-11096901-C-G.
Other names: c.392C>G, p.Ser131Cys (NM_001128844.3, NM_001128845.2, NM_001128846.2 and 5 more transcripts); short protein forms S131C.
Identifiers: ClinVar variation 480640 (VCV000480640.10), dbSNP rs1555752952, ClinGen allele CA404055743.

ClinVar aggregate classification (germline): Uncertain significance. Review status: criteria provided, multiple submitters, no conflicts (2 of 4 stars). 3 submissions from 3 submitters: Uncertain significance (3). Last evaluated 2025-09-10.

Conditions:
Hereditary cancer-predisposing syndrome. Also called: Neoplastic Syndromes, Hereditary; Tumor predisposition; Hereditary neoplastic syndrome; Hereditary Cancer Syndrome. Identifiers: Orphanet 140162, MedGen C0027672, MeSH D009386, MONDO:0015356.
Rhabdoid tumor predisposition syndrome 2 (RTPS2). Identifiers: Orphanet 231108, Orphanet 69077, MedGen C2750074, MONDO:0013224, OMIM 613325.

Submissions (3):

Labcorp Genetics (formerly Invitae), Labcorp
Classification: Uncertain significance for Rhabdoid tumor predisposition syndrome 2. Last evaluated: 2025-09-10. Review status: criteria provided, single submitter. Criteria: Invitae Variant Classification Sherloc (09022015). Collection method: clinical testing. Allele origin: germline.
Comment: This sequence change replaces serine, which is neutral and polar, with cysteine, which is neutral and slightly polar, at codon 131 of the SMARCA4 protein (p.Ser131Cys). This variant is not present in population databases (gnomAD no frequency). This variant has not been reported in the literature in individuals affected with SMARCA4-related conditions. ClinVar contains an entry for this variant (Variation ID: 480640). Invitae Evidence Modeling of protein sequence and biophysical properties (such as structural, functional, and spatial information, amino acid conservation, physicochemical variation, residue mobility, and thermodynamic stability) indicates that this missense variant is not expected to disrupt SMARCA4 protein function with a negative predictive value of 80%. In summary, the available evidence is currently insufficient to determine the role of this variant in disease. Therefore, it has been classified as a Variant of Uncertain Significance.

Dasa
Classification: Uncertain significance. Last evaluated: 2024-07-15. Review status: criteria provided, single submitter. Criteria: DASA Assertion Criteria. Collection method: clinical testing. Allele origin: germline.
Comment: NM_003072.5(SMARCA4):c.392C>G (p.Ser131Cys) is a missense variant that results in the substitution of serine with cysteine. This variant is absent from population databases. The currently available literature and clinical evidence are not sufficient to establish a definitive association between this variant and the reported condition. Therefore, this variant is classified as a variant of uncertain significance.

Ambry Genetics
Classification: Uncertain significance for Hereditary cancer-predisposing syndrome. Last evaluated: 2022-01-31. Review status: criteria provided, single submitter. Criteria: Ambry Variant Classification Scheme 2023. Collection method: clinical testing. Allele origin: germline.
Comment: The p.S131C variant (also known as c.392C>G), located in coding exon 3 of the SMARCA4 gene, results from a C to G substitution at nucleotide position 392. The serine at codon 131 is replaced by cysteine, an amino acid with dissimilar properties. This amino acid position is well conserved in available vertebrate species. In addition, the in silico prediction for this alteration is inconclusive. Missense and in-frame variants in SMARCA4 are known to cause neurodevelopmental disorders; however, such associations with rhabdoid tumor predisposition syndrome including small cell carcinoma of the ovary-hypercalcemic type (SCCOHT) are exceedingly rare (Kosho T et al. Am J Med Genet C Semin Med Genet. 2014 Sep;166C(3):262-75; Jelinic P et al. Nat Genet. 2014 May;46(5):424-6). Based on the supporting evidence, the association of this alteration with Coffin-Siris syndrome is unknown; however, the association of this alteration with rhabdoid tumor predisposition syndrome is unlikely.